The following is an entry in ClinVar:

ClinVar aggregate classification (germline): Pathogenic (1 of 4 stars; one submission).

Submission:

Labcorp Genetics (formerly Invitae), Labcorp
Classification: Pathogenic. Last evaluated: 2024-05-06. Review status: criteria provided, single submitter. Criteria: Invitae Variant Classification Sherloc (09022015). Collection method: clinical testing. Allele origin: germline.
Comment: This sequence change creates a premature translational stop signal (p.Asp754Ilefs*5) in the SLC26A4 gene. It is expected to result in an absent or disrupted protein product. Loss-of-function variants in SLC26A4 are known to be pathogenic (PMID: 16283880, 25394566, 26252218, 26445815). This variant is present in population databases (rs761827888, gnomAD 0.0009%). This variant has not been reported in the literature in individuals affected with SLC26A4-related conditions. Algorithms developed to predict the effect of sequence changes on RNA splicing suggest that this variant may disrupt the consensus splice site. For these reasons, this variant has been classified as Pathogenic.

Literature cited by the submitters: PubMed 16283880; PubMed 25394566; PubMed 26252218; PubMed 26445815.

NM_000441.2(SLC26A4):c.2260del (p.Asp754fs)

Gene: SLC26A4 (solute carrier family 26 member 4; plus strand). Cytogenetic location: 7q22.3.
Variant type: Deletion.
Coding change: c.2260del on transcript NM_000441.2 (MANE Select); coding-DNA position 2260, one base deleted (G; older notation c.2260delG).
Protein change: p.Asp754fs; shifts the reading frame from aspartic acid 754.
Molecular consequence: frameshift variant.
Genome position (GRCh38, 1-based): chr7:107,712,563, G deleted. VCF-style (leftmost placement, unchanged base first): chr7-107712562-AG-A. GRCh37 (hg19) VCF-style: chr7-107353007-AG-A.
Other names: short protein forms D754fs.
Identifiers: ClinVar variation 3703416 (VCV003703416.2).
Genomic context (GRCh38, chr7:107,712,562, plus strand): 5'-TGCTATTCTATTTCTACCCTGTGTTCTCTTTTTCAAGATCACTCTCATTCAGGATTGTAA[AG>A]ATACCCTTGAATTAATAGAAACAGAGCTGACGGAAGAAGAACTTGATGTCCAGGATGAGG-3'